The following is an entry in ClinVar:

NC_000014.8:g.(?_74706265)_(74727622_?)del

Gene: VSX2 (visual system homeobox 2; plus strand). Cytogenetic location: 14q24.3.
Variant type: Deletion.
Identifiers: ClinVar variation 3244000 (VCV003244000.1).

ClinVar aggregate classification (germline): Pathogenic (1 of 4 stars; one submission).

Conditions:
Isolated microphthalmia 2. Identifiers: Orphanet 2542, MedGen C1864720, MONDO:0012409, OMIM 610093.

Submission:

Labcorp Genetics (formerly Invitae), Labcorp
Classification: Pathogenic for Isolated microphthalmia 2. Last evaluated: 2023-04-17. Review status: criteria provided, single submitter. Criteria: Invitae Variant Classification Sherloc (09022015). Collection method: clinical testing. Allele origin: unknown.
Comment: For these reasons, this variant has been classified as Pathogenic. This variant has not been reported in the literature in individuals affected with VSX2-related conditions. A gross deletion of the genomic region encompassing the full coding sequence of the VSX2 gene has been identified. Loss-of-function variants in VSX2 are known to be pathogenic (PMID: 20414678). The boundaries of this event are unknown as they extend beyond the assayed region for this gene and therefore may encompass additional genes.

Literature cited by the submitters: PubMed 20414678.